The following is an entry in ClinVar:

ClinVar aggregate classification (germline): Uncertain significance (1 of 4 stars; one submission).

Conditions:
Hereditary cancer-predisposing syndrome. Also called: Hereditary Cancer Syndrome; Hereditary neoplastic syndrome; Neoplastic Syndromes, Hereditary; Tumor predisposition. Identifiers: Orphanet 140162, MedGen C0027672, MeSH D009386, MONDO:0015356.

Submission:

Ambry Genetics
Classification: Uncertain significance for Hereditary cancer-predisposing syndrome. Last evaluated: 2024-12-19. Review status: criteria provided, single submitter. Criteria: Ambry Variant Classification Scheme 2023. Collection method: clinical testing. Allele origin: germline.
Comment: The p.P320T variant (also known as c.958C>A), located in coding exon 9 of the PRKAR1A gene, results from a C to A substitution at nucleotide position 958. The proline at codon 320 is replaced by threonine, an amino acid with highly similar properties. This amino acid position is highly conserved in available vertebrate species. In addition, this alteration is predicted to be deleterious by in silico analysis. Based on the available evidence, the clinical significance of this variant remains unclear.

NM_002734.5(PRKAR1A):c.958C>A (p.Pro320Thr)

Gene: PRKAR1A (protein kinase cAMP-dependent type I regulatory subunit alpha; plus strand). Cytogenetic location: 17q24.2.
Variant type: single nucleotide variant.
Coding change: c.958C>A on transcript NM_002734.5 (MANE Select); coding-DNA position 958, C replaced by A.
Protein change: p.Pro320Thr; replaces proline 320 with threonine.
Molecular consequence: missense variant.
Genome position (GRCh38, 1-based): chr17:68,529,986, C>A. VCF-style: chr17-68529986-C-A. GRCh37 (hg19) VCF-style: chr17-66526127-C-A.
Other names: c.958C>A, p.Pro320Thr (NM_001276289.2, NM_001276290.1, NM_001278433.2 and 4 more transcripts); short protein forms P320T.
Identifiers: ClinVar variation 1767466 (VCV001767466.3), dbSNP rs2509443827, ClinGen allele CA400754275.